The following is an entry in ClinVar:

NM_152564.5(VPS13B):c.1505G>A (p.Arg502Gln)

Gene: VPS13B (vacuolar protein sorting 13 homolog B; plus strand). Cytogenetic location: 8q22.2.
Variant type: single nucleotide variant.
Coding change: c.1505G>A on transcript NM_152564.5 (MANE Select); coding-DNA position 1505, G replaced by A.
Protein change: p.Arg502Gln; replaces arginine 502 with glutamine.
Molecular consequence: missense variant.
Genome position (GRCh38, 1-based): chr8:99,135,675, G>A. VCF-style: chr8-99135675-G-A. GRCh37 (hg19) VCF-style: chr8-100147903-G-A.
Other names: c.1505G>A, p.Arg502Gln (NM_015243.3, NM_017890.5); short protein forms R502Q.
Identifiers: ClinVar variation 3353115 (VCV003353115.1).

ClinVar aggregate classification (germline): Uncertain significance (0 of 4 stars; one submission).

Conditions:
VPS13B-related disorder. Also called: VPS13B-related condition.

gnomAD v4.1: 5 of 1,613,358 alleles (0.00031%); highest among the groups gnomAD compares: African/African-American, 0.0013%; no homozygotes.

Submission:

PreventionGenetics, part of Exact Sciences
Classification: Uncertain significance for VPS13B-related condition. Last evaluated: 2024-01-19. Review status: no assertion criteria provided. Collection method: clinical testing. Allele origin: germline.
Comment: The VPS13B c.1505G>A variant is predicted to result in the amino acid substitution p.Arg502Gln. To our knowledge, this variant has not been reported in the literature. This variant is reported in 0.0062% of alleles in individuals of African descent in gnomAD. At this time, the clinical significance of this variant is uncertain due to the absence of conclusive functional and genetic evidence.